The following is an entry in ClinVar:

ClinVar aggregate classification (germline): Uncertain significance (1 of 4 stars; one submission).

gnomAD v4.1: 18 of 1,609,374 alleles (0.0011%); highest among the groups gnomAD compares: East Asian, 0.013%; no homozygotes.

Submission:

Women's Health and Genetics/Laboratory Corporation of America, LabCorp
Classification: Uncertain significance. Last evaluated: 2025-04-15. Review status: criteria provided, single submitter. Criteria: LabCorp Variant Classification Summary - May 2015. Collection method: clinical testing. Allele origin: germline.
Comment: Variant summary: TPRN c.1016C>T (p.Ala339Val) results in a non-conservative amino acid change in the encoded protein sequence. Four of five in-silico tools predict a benign effect of the variant on protein function. The variant allele was found at a frequency of 1.3e-05 in 237112 control chromosomes (gnomAD v2.1). The available data on variant occurrences in the general population are insufficient to allow any conclusion about variant significance. To our knowledge, no occurrence of c.1016C>T in individuals affected with Autosomal Recessive Nonsyndromic Hearing Loss 79 and no experimental evidence demonstrating its impact on protein function have been reported. No submitters have cited clinical-significance assessments for this variant to ClinVar. Based on the evidence outlined above, the variant was classified as uncertain significance.

NM_001128228.3(TPRN):c.1016C>T (p.Ala339Val)

Gene: TPRN (taperin; minus strand). Cytogenetic location: 9q34.3.
Variant type: single nucleotide variant.
Coding change: c.1016C>T on transcript NM_001128228.3 (MANE Select); coding-DNA position 1016, C replaced by T.
Protein change: p.Ala339Val; replaces alanine 339 with valine.
Molecular consequence: missense variant.
Genome position (GRCh38, 1-based): chr9:137,199,696, G>A on the plus strand (C>T on the coding strand, the complement: TPRN is on the minus strand). VCF-style: chr9-137199696-G-A. GRCh37 (hg19) VCF-style: chr9-140094148-G-A.
Other names: short protein forms A339V.
Identifiers: ClinVar variation 3896275 (VCV003896275.2).